The following is an entry in ClinVar:

NM_057175.5(NAA15):c.2345G>A (p.Arg782Gln)

Gene: NAA15 (N-alpha-acetyltransferase 15, NatA auxiliary subunit; plus strand). Cytogenetic location: 4q31.1.
Variant type: single nucleotide variant.
Coding change: c.2345G>A on transcript NM_057175.5 (MANE Select); coding-DNA position 2345, G replaced by A.
Protein change: p.Arg782Gln; replaces arginine 782 with glutamine.
Molecular consequence: missense variant.
Genome position (GRCh38, 1-based): chr4:139,386,175, G>A. VCF-style: chr4-139386175-G-A. GRCh37 (hg19) VCF-style: chr4-140307329-G-A.
Other names: short protein forms R782Q.
Identifiers: ClinVar variation 996973 (VCV000996973.5), dbSNP rs776135982, ClinGen allele CA3083825.

ClinVar aggregate classification (germline): Uncertain significance. Review status: criteria provided, multiple submitters, no conflicts (2 of 4 stars). 2 submissions from 2 submitters: Uncertain significance (2). Last evaluated 2022-07-26.

Conditions:
Intellectual developmental disorder, autosomal dominant 50, with behavioral abnormalities. Also called: MENTAL RETARDATION, AUTOSOMAL DOMINANT 50; Intellectual disability, autosomal dominant 50. Identifiers: MedGen C4540470, MONDO:0030916, OMIM 617787.

Allele frequency attached by ClinVar (database versions not stated): gnomAD 0.00001; ExAC 0.00002; gnomAD exomes 0.00004 and 0.00003; TOPMed 0.00001.
gnomAD v4.1: 51 of 1,610,710 alleles (0.0032%); highest among the groups gnomAD compares: Admixed American, 0.01%; no homozygotes.

Submissions (2):

Labcorp Genetics (formerly Invitae), Labcorp
Classification: Uncertain significance. Last evaluated: 2022-07-26. Review status: criteria provided, single submitter. Criteria: Invitae Variant Classification Sherloc (09022015). Collection method: clinical testing. Allele origin: germline.
Comment: This sequence change replaces arginine, which is basic and polar, with glutamine, which is neutral and polar, at codon 782 of the NAA15 protein (p.Arg782Gln). In summary, the available evidence is currently insufficient to determine the role of this variant in disease. Therefore, it has been classified as a Variant of Uncertain Significance. Algorithms developed to predict the effect of missense changes on protein structure and function (SIFT, PolyPhen-2, Align-GVGD) all suggest that this variant is likely to be tolerated. ClinVar contains an entry for this variant (Variation ID: 996973). This variant has not been reported in the literature in individuals affected with NAA15-related conditions. This variant is present in population databases (rs776135982, gnomAD 0.02%).

New York Genome Center
Classification: Uncertain significance for Intellectual developmental disorder, autosomal dominant 50, with behavioral abnormalities. Last evaluated: 2020-07-10. Review status: criteria provided, single submitter. Criteria: NYGC Assertion Criteria 2020. Collection method: clinical testing. Allele origin: germline. Inheritance: Autosomal dominant inheritance. Observed: 1 heterozygote. Study: CSER-NYCKidSeq.